The following is an entry in ClinVar:

ClinVar aggregate classification (germline): Uncertain significance (1 of 4 stars; one submission).

Conditions:
Inborn genetic diseases. Identifiers: MedGen C0950123, MeSH D030342.

Submission:

Ambry Genetics
Classification: Uncertain significance for Inborn genetic diseases. Last evaluated: 2025-08-06. Review status: criteria provided, single submitter. Criteria: Ambry Variant Classification Scheme 2023. Collection method: clinical testing. Allele origin: germline.
Comment: The c.513C>A (p.H171Q) alteration is located in exon 6 (coding exon 5) of the KIF1A gene. This alteration results from a C to A substitution at nucleotide position 513, causing the histidine (H) at amino acid position 171 to be replaced by a glutamine (Q). This variant was not reported in population-based cohorts in the Genome Aggregation Database (gnomAD). Another variant at the same codon, c.512A>C (p.H171P), has been identified in individual(s) with features consistent with KIF1A-related neuronal disorder (Boyle, 2021). This amino acid position is highly conserved in available vertebrate species. This missense alteration is located in a region that has a low rate of benign missense variation (Lek, 2016; Firth, 2009). This alteration is predicted to be deleterious by in silico analysis. Based on insufficient or conflicting evidence, the clinical significance of this alteration remains unclear.

Literature cited by the submitters: PubMed 33880452.

NM_001244008.2(KIF1A):c.513C>A (p.His171Gln)

Gene: KIF1A (kinesin family member 1A; minus strand). Cytogenetic location: 2q37.3.
Variant type: single nucleotide variant.
Coding change: c.513C>A on transcript NM_001244008.2 (MANE Select); coding-DNA position 513, C replaced by A.
Protein change: p.His171Gln; replaces histidine 171 with glutamine.
Molecular consequence: missense variant.
Genome position (GRCh38, 1-based): chr2:240,786,430, G>T on the plus strand (C>A on the coding strand, the complement: KIF1A is on the minus strand). VCF-style: chr2-240786430-G-T. GRCh37 (hg19) VCF-style: chr2-241725847-G-T.
Other names: c.513C>A, p.His171Gln (NM_001320705.2, NM_001330289.2, NM_001330290.2 and 20 more transcripts); short protein forms H171Q.
Identifiers: ClinVar variation 4092286 (VCV004092286.1).